The following is an entry in ClinVar:

NM_000057.4(BLM):c.2193+1G>T

Gene: BLM (BLM RecQ like helicase; plus strand). Cytogenetic location: 15q26.1.
Variant type: single nucleotide variant.
Coding change: c.2193+1G>T on transcript NM_000057.4 (MANE Select); the canonical splice donor site of the intron after coding-DNA position 2193, G replaced by T.
Molecular consequence: splice donor variant.
Genome position (GRCh38, 1-based): chr15:90,765,415, G>T. VCF-style: chr15-90765415-G-T. GRCh37 (hg19) VCF-style: chr15-91308645-G-T.
Other names: c.2193+1G>T (NM_001287246.2, NM_001287247.2); c.1068+1G>T (NM_001287248.2).
Identifiers: ClinVar variation 820840 (VCV000820840.6), dbSNP rs865866188, ClinGen allele CA393844756.

ClinVar aggregate classification (germline): Likely pathogenic (1 of 4 stars; one submission).

Conditions:
Hereditary cancer-predisposing syndrome. Also called: Neoplastic Syndromes, Hereditary; Tumor predisposition; Hereditary Cancer Syndrome; Hereditary neoplastic syndrome. Identifiers: Orphanet 140162, MedGen C0027672, MeSH D009386, MONDO:0015356.

Submission:

Ambry Genetics
Classification: Likely pathogenic for Hereditary cancer-predisposing syndrome. Last evaluated: 2025-09-18. Review status: criteria provided, single submitter. Criteria: Ambry Variant Classification Scheme 2023. Collection method: clinical testing. Allele origin: germline.
Comment: The c.2193+1G>T intronic variant results from a G to T substitution one nucleotide after coding exon 8 of the BLM gene. This variant is considered to be rare based on population cohorts in the Genome Aggregation Database (gnomAD). This nucleotide position is highly conserved in available vertebrate species. In silico splice site analysis predicts that this alteration will weaken the native splice donor site. Alterations that disrupt the canonical splice site are expected to cause aberrant splicing, resulting in an abnormal protein or a transcript that is subject to nonsense-mediated mRNA decay. As such, this alteration is classified as likely pathogenic.